The following is an entry in ClinVar:

NM_014813.3(LRIG2):c.17del (p.Leu6fs)

Gene: LRIG2 (leucine rich repeats and immunoglobulin like domains 2; plus strand). Cytogenetic location: 1p13.2.
Variant type: Deletion.
Coding change: c.17del on transcript NM_014813.3 (MANE Select); coding-DNA position 17, one base deleted (T; older notation c.17delT).
Protein change: p.Leu6fs; shifts the reading frame from leucine 6.
Molecular consequence: frameshift variant. On other transcripts: 5 prime UTR variant (1).
Genome position (GRCh38, 1-based): chr1:113,073,423, T deleted. VCF-style (leftmost placement, unchanged base first): chr1-113073422-CT-C. GRCh37 (hg19) VCF-style: chr1-113616044-CT-C.
Other names: c.-405del (NM_001312686.2); short protein forms L6fs.
Identifiers: ClinVar variation 1074689 (VCV001074689.7), dbSNP rs1189543766, ClinGen allele CA885682446.
Genomic context (GRCh38, chr1:113,073,422, plus strand): 5'-TCTAGCAGGCAGCTCTTCTAGGCCACGTCCAGGTCGAGGGGGAAAATGGCGCCGGCGCCC[CT>C]AGGCGTCCCGGAGGAGCAGTTGCTGGGGTGTCGATCTAGAGTGCTTTCTCGGTTACTCTT-3'

ClinVar aggregate classification (germline): Pathogenic (1 of 4 stars; one submission).

Allele frequency attached by ClinVar (database versions not stated): gnomAD exomes below 0.00001; gnomAD 0.00001; TOPMed 0.00001.

Submission:

Labcorp Genetics (formerly Invitae), Labcorp
Classification: Pathogenic. Last evaluated: 2024-04-10. Review status: criteria provided, single submitter. Criteria: Invitae Variant Classification Sherloc (09022015). Collection method: clinical testing. Allele origin: germline.
Comment: This sequence change creates a premature translational stop signal (p.Leu6Glnfs*97) in the LRIG2 gene. It is expected to result in an absent or disrupted protein product. Loss-of-function variants in LRIG2 are known to be pathogenic (PMID: 23313374). This variant is not present in population databases (gnomAD no frequency). This variant has not been reported in the literature in individuals affected with LRIG2-related conditions. ClinVar contains an entry for this variant (Variation ID: 1074689). For these reasons, this variant has been classified as Pathogenic.

Literature cited by the submitters: PubMed 23313374.